The following is an entry in ClinVar:

NM_006939.4(SOS2):c.2066A>G (p.Asn689Ser)

Gene: SOS2 (SOS Ras/Rho guanine nucleotide exchange factor 2; minus strand). Cytogenetic location: 14q21.3.
Variant type: single nucleotide variant.
Coding change: c.2066A>G on transcript NM_006939.4 (MANE Select); coding-DNA position 2066, A replaced by G.
Protein change: p.Asn689Ser; replaces asparagine 689 with serine.
Molecular consequence: missense variant.
Genome position (GRCh38, 1-based): chr14:50,153,165, T>C on the plus strand (A>G on the coding strand, the complement: SOS2 is on the minus strand). VCF-style: chr14-50153165-T-C. GRCh37 (hg19) VCF-style: chr14-50619883-T-C.
Other names: c.1967A>G, p.Asn656Ser (NM_001411020.1); short protein forms N656S, N689S.
Identifiers: ClinVar variation 3225959 (VCV003225959.3), dbSNP rs759817993, ClinGen allele CA260731680.

ClinVar aggregate classification (germline): Uncertain significance. Review status: criteria provided, multiple submitters, no conflicts (2 of 4 stars). 2 submissions from 2 submitters: Uncertain significance (2). Last evaluated 2024-04-22.

Conditions:
Cardiovascular phenotype. Identifiers: MedGen CN230736.
Noonan syndrome 9 (NS9). Identifiers: Orphanet 648, MedGen C4225282, MONDO:0014691, OMIM 616559.

Submissions (2):

Labcorp Genetics (formerly Invitae), Labcorp
Classification: Uncertain significance for Noonan syndrome 9. Last evaluated: 2024-04-22. Review status: criteria provided, single submitter. Criteria: Invitae Variant Classification Sherloc (09022015). Collection method: clinical testing. Allele origin: germline.
Comment: This sequence change replaces asparagine, which is neutral and polar, with serine, which is neutral and polar, at codon 689 of the SOS2 protein (p.Asn689Ser). This variant is not present in population databases (gnomAD no frequency). This variant has not been reported in the literature in individuals affected with SOS2-related conditions. Advanced modeling of protein sequence and biophysical properties (such as structural, functional, and spatial information, amino acid conservation, physicochemical variation, residue mobility, and thermodynamic stability) performed at Invitae indicates that this missense variant is not expected to disrupt SOS2 protein function with a negative predictive value of 80%. In summary, the available evidence is currently insufficient to determine the role of this variant in disease. Therefore, it has been classified as a Variant of Uncertain Significance.

Ambry Genetics
Classification: Uncertain significance for Cardiovascular phenotype. Last evaluated: 2023-12-10. Review status: criteria provided, single submitter. Criteria: Ambry Variant Classification Scheme 2023. Collection method: clinical testing. Allele origin: germline.
Comment: The p.N689S variant (also known as c.2066A>G), located in coding exon 13 of the SOS2 gene, results from an A to G substitution at nucleotide position 2066. The asparagine at codon 689 is replaced by serine, an amino acid with highly similar properties. This amino acid position is conserved. In addition, this alteration is predicted to be tolerated by in silico analysis. Since supporting evidence is limited at this time, the clinical significance of this alteration remains unclear.